The following is an entry in ClinVar:

ClinVar aggregate classification (germline): Uncertain significance (1 of 4 stars; one submission).

Conditions:
Progressive myoclonic epilepsy type 7. Identifiers: Orphanet 435438, MedGen C4015420, MONDO:0014521, OMIM 616187.

Submission:

Labcorp Genetics (formerly Invitae), Labcorp
Classification: Uncertain significance for Progressive myoclonic epilepsy type 7. Last evaluated: 2023-12-18. Review status: criteria provided, single submitter. Criteria: Invitae Variant Classification Sherloc (09022015). Collection method: clinical testing. Allele origin: germline.
Comment: This sequence change replaces alanine, which is neutral and non-polar, with threonine, which is neutral and polar, at codon 429 of the KCNC1 protein (p.Ala429Thr). This variant is not present in population databases (gnomAD no frequency). This variant has not been reported in the literature in individuals affected with KCNC1-related conditions. ClinVar contains an entry for this variant (Variation ID: 1500570). Advanced modeling of protein sequence and biophysical properties (such as structural, functional, and spatial information, amino acid conservation, physicochemical variation, residue mobility, and thermodynamic stability) performed at Invitae indicates that this missense variant is not expected to disrupt KCNC1 protein function with a negative predictive value of 80%. In summary, the available evidence is currently insufficient to determine the role of this variant in disease. Therefore, it has been classified as a Variant of Uncertain Significance.

NM_001112741.2(KCNC1):c.1285G>A (p.Ala429Thr)

Gene: KCNC1 (potassium voltage-gated channel subfamily C member 1; plus strand). Cytogenetic location: 11p15.1.
Variant type: single nucleotide variant.
Coding change: c.1285G>A on transcript NM_001112741.2 (MANE Select); coding-DNA position 1285, G replaced by A.
Protein change: p.Ala429Thr; replaces alanine 429 with threonine.
Molecular consequence: missense variant.
Genome position (GRCh38, 1-based): chr11:17,772,379, G>A. VCF-style: chr11-17772379-G-A. GRCh37 (hg19) VCF-style: chr11-17793926-G-A.
Other names: c.1285G>A, p.Ala429Thr (NM_004976.4); short protein forms A429T.
Identifiers: ClinVar variation 1500570 (VCV001500570.8), dbSNP rs2133805458, ClinGen allele CA379809016.